The following is an entry in ClinVar:

ClinVar aggregate classification (germline): Pathogenic (1 of 4 stars; one submission).

Submission:

Labcorp Genetics (formerly Invitae), Labcorp
Classification: Pathogenic. Last evaluated: 2023-08-31. Review status: criteria provided, single submitter. Criteria: Invitae Variant Classification Sherloc (09022015). Collection method: clinical testing. Allele origin: germline.
Comment: This sequence change creates a premature translational stop signal (p.Thr899Lysfs*8) in the OPA1 gene. It is expected to result in an absent or disrupted protein product. Loss-of-function variants in OPA1 are known to be pathogenic (PMID: 11440988, 20157015, 20952381, 25012220). This variant is not present in population databases (gnomAD no frequency). For these reasons, this variant has been classified as Pathogenic. This variant has not been reported in the literature in individuals affected with OPA1-related conditions.

Literature cited by the submitters: PubMed 11440988; PubMed 20157015; PubMed 20952381; PubMed 25012220.

NM_130837.3(OPA1):c.2861del (p.Thr954fs)

Gene: OPA1 (OPA1 mitochondrial dynamin like GTPase; plus strand). Cytogenetic location: 3q29.
Variant type: Deletion.
Coding change: c.2861del on transcript NM_130837.3 (MANE Select); coding-DNA position 2861, one base deleted (C; older notation c.2861delC).
Protein change: p.Thr954fs; shifts the reading frame from threonine 954.
Molecular consequence: frameshift variant.
Genome position (GRCh38, 1-based): chr3:193,666,378, C deleted. VCF-style (leftmost placement, unchanged base first): chr3-193666377-AC-A. GRCh37 (hg19) VCF-style: chr3-193384166-AC-A.
Other names: c.2327del, p.Thr776fs (NM_001354663.2); c.2324del, p.Thr775fs (NM_001354664.2); c.2696del, p.Thr899fs (NM_015560.3); c.2588del, p.Thr863fs (NM_130831.3); c.2642del, p.Thr881fs (NM_130832.3); c.2699del, p.Thr900fs (NM_130833.3); c.2750del, p.Thr917fs (NM_130834.3); c.2753del, p.Thr918fs (NM_130835.3); and 1 more; short protein forms T775fs, T881fs, T900fs, T936fs, T776fs, T863fs, T917fs, T918fs.
Identifiers: ClinVar variation 2757045 (VCV002757045.3), dbSNP rs2475190695, ClinGen allele CA2697557031.